The following is an entry in ClinVar:

NM_001042492.3(NF1):c.2466A>C (p.Gly822=)

Gene: NF1 (neurofibromin 1; plus strand). Cytogenetic location: 17q11.2.
Variant type: single nucleotide variant.
Coding change: c.2466A>C on transcript NM_001042492.3 (MANE Select); coding-DNA position 2466, A replaced by C.
Protein change: p.Gly822=; no amino-acid change (glycine 822 retained).
Molecular consequence: synonymous variant.
Genome position (GRCh38, 1-based): chr17:31,229,081, A>C. VCF-style: chr17-31229081-A-C. GRCh37 (hg19) VCF-style: chr17-29556099-A-C.
Other names: c.2466A>C, p.Gly822= (NM_000267.4).
Identifiers: ClinVar variation 480090 (VCV000480090.10), dbSNP rs1555614200, ClinGen allele CA499444125.

ClinVar aggregate classification (germline): Likely benign. Review status: criteria provided, multiple submitters, no conflicts (2 of 4 stars). 3 submissions from 3 submitters: Likely benign (3). Last evaluated 2025-11-22.

Conditions:
Hereditary cancer-predisposing syndrome. Also called: Hereditary neoplastic syndrome; Neoplastic Syndromes, Hereditary; Tumor predisposition; Hereditary Cancer Syndrome. Identifiers: Orphanet 140162, MedGen C0027672, MeSH D009386, MONDO:0015356.
Neurofibromatosis, type 1 (NF1). Also called: VON RECKLINGHAUSEN DISEASE; Peripheral type neurofibromatosis; NEUROFIBROMATOSIS, TYPE I, SOMATIC; Neurofibromatosis, type I. Identifiers: Orphanet 636, MedGen C0027831, MONDO:0018975, OMIM 162200. Disease mechanism: loss of function.

Submissions (3):

Labcorp Genetics (formerly Invitae), Labcorp
Classification: Likely benign for Neurofibromatosis, type 1. Last evaluated: 2025-11-22. Review status: criteria provided, single submitter. Criteria: Invitae Variant Classification Sherloc (09022015). Collection method: clinical testing. Allele origin: germline.

Genome-Nilou Lab
Classification: Likely benign for Neurofibromatosis, type 1. Last evaluated: 2022-03-15. Review status: criteria provided, single submitter. Criteria: ACMG Guidelines, 2015. Collection method: clinical testing. Allele origin: germline. Affected: no.

Ambry Genetics
Classification: Likely benign for Hereditary cancer-predisposing syndrome. Last evaluated: 2016-01-25. Review status: criteria provided, single submitter. Criteria: Ambry Autosomal Dominant and X-Linked criteria (10/2015). Collection method: clinical testing. Allele origin: germline. Observed: 1 variant allele.
Comment: Synonymous alterations with insufficient evidence to classify as benign